The following is an entry in ClinVar:

NM_006096.4(NDRG1):c.755+1G>A

Genes: NDRG1 (N-myc downstream regulated 1; minus strand), LOC126860531 (CDK7 strongly-dependent group 2 enhancer GRCh37_chr8:134259869-134261068; plus strand). Cytogenetic location: 8q24.22.
Variant type: single nucleotide variant.
Coding change: c.755+1G>A on transcript NM_006096.4 (MANE Select); the canonical splice donor site of the intron after coding-DNA position 755, G replaced by A.
Molecular consequence: splice donor variant.
Genome position (GRCh38, 1-based): chr8:133,248,714, C>T on the plus strand (G>A on the coding strand, the complement: NDRG1 is on the minus strand). VCF-style: chr8-133248714-C-T. GRCh37 (hg19) VCF-style: chr8-134260957-C-T.
Other names: c.557+1G>A (NM_001258432.2, NM_001374847.1); c.512+1G>A (NM_001258433.2); c.806+1G>A (NM_001374844.1); c.755+1G>A (NM_001135242.2, NM_001374845.1, NM_001374846.1).
Identifiers: ClinVar variation 1068301 (VCV001068301.10), dbSNP rs2130692394, ClinGen allele CA372255138.
Genomic context (GRCh38, chr8:133,248,714, plus strand): 5'-AGGCCACCTTTATAGTGGGCAGCCCCGACTGCAAGTGCTGGGGGAGAGAAAAGCCACTCA[C>T]TGCAGGGTGACTGTGTGGGTTCCCGGCATTGGTCGCTCAATCTCCAGGTCGCGCCGGCTG-3'

ClinVar aggregate classification (germline): Conflicting classifications of pathogenicity. Review status: criteria provided, conflicting classifications (1 of 4 stars). 2 submissions from 2 submitters: Likely pathogenic (1); Uncertain significance (1). Last evaluated 2025-02-10.

Conditions:
Charcot-Marie-Tooth disease type 4. Also called: Charcot-Marie-Tooth disease, type IV; Charcot-Marie-Tooth, Type 4. Identifiers: Orphanet 64749, MedGen C4082197, MONDO:0018995.
Charcot-Marie-Tooth disease type 4D. Also called: NEUROPATHY, HEREDITARY MOTOR AND SENSORY, LOM TYPE; Charcot-Marie-Tooth Neuropathy Type 4D; CHARCOT-MARIE-TOOTH DISEASE, DEMYELINATING, AUTOSOMAL RECESSIVE, TYPE 4D; CHARCOT-MARIE-TOOTH DISEASE, DEMYELINATING, TYPE 4D. Identifiers: Orphanet 99950, MedGen C1832334, MONDO:0011085, OMIM 601455.

Submissions (2):

Clinical Omics and Informatics (COIN) Unit, Neuroscience Institute, University Of Cape Town
Classification: Uncertain significance for Charcot-Marie-Tooth disease type 4D. Last evaluated: 2025-02-10. Review status: criteria provided, single submitter. Criteria: ACMG Guidelines, 2015. Collection method: research. Allele origin: germline. Inheritance: Autosomal recessive inheritance. Affected: yes. Observed: 1 variant allele, 1 compound heterozygote.
Comment: PM2_supporting: variant is absent from gnomAD v4.0 (adequate coverage >20X confirmed) and an internal database. PS4 not met: Variant detected in the heterozygous state with no second reportable NDRG1 variant. It was identified in a healthy adult in the context of carrier screening for reproductive purposes (Invitae, ClinVar SCV001577683.3). PVS1_moderate: GT-AG splice site variant which is predicted to cause exon skipping or use of a cryptic splice site. Role of region in protein function is unknown splice site preserves reading frame. LOF variants in this exon are not frequent in the general population and exon is present in biologically-relevant transcript(s). Variant removes <10% of protein. Sequencing funded by the International Centre for Genomic Medicine in Neuromuscular Diseases (ICGNMD).

Labcorp Genetics (formerly Invitae), Labcorp
Classification: Likely pathogenic for Charcot-Marie-Tooth disease type 4. Last evaluated: 2020-10-26. Review status: criteria provided, single submitter. Criteria: Invitae Variant Classification Sherloc (09022015). Collection method: clinical testing. Allele origin: germline.
Comment: In summary, the currently available evidence indicates that the variant is pathogenic, but additional data are needed to prove that conclusively. Therefore, this variant has been classified as Likely Pathogenic. Algorithms developed to predict the effect of sequence changes on RNA splicing suggest that this variant may disrupt the consensus splice site, but this prediction has not been confirmed by published transcriptional studies. This variant has not been reported in the literature in individuals with NDRG1-related conditions. This variant is not present in population databases (ExAC no frequency). This sequence change affects a donor splice site in intron 11 of the NDRG1 gene. It is expected to disrupt RNA splicing. Variants that disrupt the donor or acceptor splice site typically lead to a loss of protein function (PMID: 16199547), and loss-of-function variants in NDRG1 are known to be pathogenic (PMID: 12872253, 23996628).

Literature cited by the submitters: PubMed 16199547 (cited by Labcorp Genetics (formerly Invitae), Labcorp); PubMed 12872253 (cited by Labcorp Genetics (formerly Invitae), Labcorp); PubMed 23996628 (cited by Labcorp Genetics (formerly Invitae), Labcorp).